The following is an entry in ClinVar:

ClinVar aggregate classification (germline): Conflicting classifications of pathogenicity. Review status: criteria provided, conflicting classifications (1 of 4 stars). 2 submissions from 2 submitters: Uncertain significance (1); Likely benign (1). Last evaluated 2026-01-24.

Allele frequency attached by ClinVar (database versions not stated): ExAC 0.00040; gnomAD exomes 0.00043 and 0.00022; TOPMed 0.00054; ESP Exome Variant Server 0.00008; 1000 Genomes Project 0.00020; 1000 Genomes Project 30x 0.00031; gnomAD 0.00036 and 0.00039.
gnomAD v4.1: 412 of 1,613,822 alleles (0.026%); highest among the groups gnomAD compares: Middle Eastern, 0.18%; 1 homozygote.

Submissions (2):

Labcorp Genetics (formerly Invitae), Labcorp
Classification: Likely benign. Last evaluated: 2026-01-24. Review status: criteria provided, single submitter. Criteria: Invitae Variant Classification Sherloc (09022015). Collection method: clinical testing. Allele origin: germline.

GeneDx
Classification: Uncertain significance. Last evaluated: 2024-03-20. Review status: criteria provided, single submitter. Criteria: GeneDx Variant Classification Process June 2021. Collection method: clinical testing. Allele origin: germline. Affected: yes.
Comment: In silico analysis supports that this missense variant has a deleterious effect on protein structure/function; This variant is associated with the following publications: (PMID: 32855188, 32233035, Sedillo_2024)

NM_003901.4(SGPL1):c.44A>G (p.Tyr15Cys)

Gene: SGPL1 (sphingosine-1-phosphate lyase 1; plus strand). Cytogenetic location: 10q22.1.
Variant type: single nucleotide variant.
Coding change: c.44A>G on transcript NM_003901.4 (MANE Select); coding-DNA position 44, A replaced by G.
Protein change: p.Tyr15Cys; replaces tyrosine 15 with cysteine.
Molecular consequence: missense variant.
Genome position (GRCh38, 1-based): chr10:70,844,489, A>G. VCF-style: chr10-70844489-A-G. GRCh37 (hg19) VCF-style: chr10-72604246-A-G.
Other names: c.44A>G (NM_003901.3); short protein forms Y15C.
Identifiers: ClinVar variation 1550093 (VCV001550093.9), dbSNP rs188194665, ClinGen allele CA5541076.